The following is an entry in ClinVar:

ClinVar aggregate classification (germline): Pathogenic (1 of 4 stars; one submission).

Submission:

Labcorp Genetics (formerly Invitae), Labcorp
Classification: Pathogenic. Last evaluated: 2022-08-28. Review status: criteria provided, single submitter. Criteria: Invitae Variant Classification Sherloc (09022015). Collection method: clinical testing. Allele origin: germline.
Comment: For these reasons, this variant has been classified as Pathogenic. This variant has not been reported in the literature in individuals affected with LCT-related conditions. This variant is not present in population databases (gnomAD no frequency). This sequence change creates a premature translational stop signal (p.Trp1153*) in the LCT gene. It is expected to result in an absent or disrupted protein product. Loss-of-function variants in LCT are known to be pathogenic (PMID: 16400612, 25881162).

Literature cited by the submitters: PubMed 16400612; PubMed 25881162.

NM_002299.4(LCT):c.3458G>A (p.Trp1153Ter)

Gene: LCT (lactase; minus strand). Cytogenetic location: 2q21.3.
Variant type: single nucleotide variant.
Coding change: c.3458G>A on transcript NM_002299.4 (MANE Select); coding-DNA position 3458, G replaced by A.
Protein change: p.Trp1153Ter; replaces tryptophan 1153 with a stop codon.
Molecular consequence: nonsense.
Genome position (GRCh38, 1-based): chr2:135,808,889, C>T on the plus strand (G>A on the coding strand, the complement: LCT is on the minus strand). VCF-style: chr2-135808889-C-T. GRCh37 (hg19) VCF-style: chr2-136566459-C-T.
Other names: short protein forms W1153*.
Identifiers: ClinVar variation 2020399 (VCV002020399.4), dbSNP rs2467217491, ClinGen allele CA348599612.